The following is an entry in ClinVar:

NC_000016.10:g.(?_89803249)_(89811081_?)del

Gene: FANCA (FA complementation group A; minus strand). Cytogenetic location: 16q24.3.
Variant type: Deletion.
Identifiers: ClinVar variation 833108 (VCV000833108.6).

ClinVar aggregate classification (germline): Pathogenic (1 of 4 stars; one submission).

Conditions:
Fanconi anemia (FA). Also called: Fanconi's anemia. Identifiers: Orphanet 84, MedGen C0015625, MeSH D005199, MONDO:0019391.

Submission:

Labcorp Genetics (formerly Invitae), Labcorp
Classification: Pathogenic for Fanconi anemia. Last evaluated: 2022-09-23. Review status: criteria provided, single submitter. Criteria: Invitae Variant Classification Sherloc (09022015). Collection method: clinical testing. Allele origin: germline.
Comment: For these reasons, this variant has been classified as Pathogenic. This variant has not been reported in the literature in individuals affected with FANCA-related conditions. This variant is a gross deletion of the genomic region encompassing exon(s) 4-8 of the FANCA gene. This deletion is out-of-frame, and is expected to create a premature termination codon and result in an absent or disrupted protein product. Loss-of-function variants in FANCA are known to be pathogenic (PMID: 19367192).

Literature cited by the submitters: PubMed 19367192.